The following is an entry in ClinVar:

NM_006918.5(SC5D):c.*3345C>T

Gene: SC5D (sterol-C5-desaturase; plus strand). Cytogenetic location: 11q24.1.
Variant type: single nucleotide variant.
Coding change: c.*3345C>T on transcript NM_006918.5 (MANE Select); 3345 bases downstream of the stop codon, C replaced by T.
Molecular consequence: 3 prime UTR variant.
Genome position (GRCh38, 1-based): chr11:121,310,857, C>T. VCF-style: chr11-121310857-C-T. GRCh37 (hg19) VCF-style: chr11-121181566-C-T.
Other names: c.*3345C>T (NM_001024956.3).
Identifiers: ClinVar variation 303095 (VCV000303095.5), dbSNP rs79862582, ClinGen allele CA10630173.

ClinVar aggregate classification (germline): Benign (1 of 4 stars; one submission).

Conditions:
Lathosterolosis. Also called: SC5D DEFICIENCY; STEROL C5-DESATURASE DEFICIENCY. Identifiers: Orphanet 46059, MedGen C1846421, MONDO:0011816, OMIM 607330.

Allele frequency attached by ClinVar (database versions not stated): gnomAD 0.01046 and 0.01118; TOPMed 0.01144; 1000 Genomes Project 0.01198; 1000 Genomes Project 30x 0.01202.
gnomAD v4.1: 1,575 of 152,202 alleles (1%); highest among the groups gnomAD compares: African/African-American, 3.2%; 26 homozygotes.

Submission:

Illumina Laboratory Services, Illumina
Classification: Benign for Lathosterolosis. Last evaluated: 2018-01-12. Review status: criteria provided, single submitter. Criteria: ICSL Variant Classification Criteria 13 December 2019. Collection method: clinical testing. Allele origin: germline.
Comment: This variant was observed in the ICSL laboratory as part of a predisposition screen in an ostensibly healthy population. It had not been previously curated by ICSL or reported in the Human Gene Mutation Database (HGMD: prior to June 1st, 2018), and was therefore a candidate for classification through an automated scoring system. Utilizing variant allele frequency, disease prevalence and penetrance estimates, and inheritance mode, an automated score was calculated to assess if this variant is too frequent to cause the disease. Based on the score and internal cut-off values, a variant classified as benign is not then subjected to further curation. The score for this variant resulted in a classification of benign for this disease.